The following is an entry in ClinVar:

ClinVar aggregate classification (germline): Pathogenic (3 of 4 stars; one submission).

Conditions:
Breast-ovarian cancer, familial, susceptibility to, 1 (BROVCA1). Also called: BRCA1 Hereditary Breast and Ovarian Cancer; OVARIAN CANCER, SUSCEPTIBILITY TO. Identifiers: Orphanet 145, MedGen C2676676, MONDO:0011450, OMIM 604370. Disease mechanism: loss of function.

Submission:

Evidence-based Network for the Interpretation of Germline Mutant Alleles (ENIGMA)
Classification: Pathogenic for Breast-ovarian cancer, familial, susceptibility to, 1. Last evaluated: 2017-12-15. Review status: reviewed by expert panel. Criteria: ENIGMA BRCA1/2 Classification Criteria (2017-06-29). Collection method: curation. Allele origin: germline. Study: ENIGMA.
Comment: Variant allele predicted to encode a truncated non-functional protein.

NM_007294.4(BRCA1):c.2489_2490insAAGTATCCAT (p.Tyr831fs)

Gene: BRCA1 (BRCA1 DNA repair associated; minus strand). Cytogenetic location: 17q21.31.
Variant type: Insertion.
Coding change: c.2489_2490insAAGTATCCAT on transcript NM_007294.4 (MANE Select); coding-DNA positions 2489 to 2490, AAGTATCCAT inserted.
Protein change: p.Tyr831fs; shifts the reading frame from tyrosine 831.
Molecular consequence: frameshift variant. On other transcripts: intron variant (137).
Genome position: GRCh38 VCF-style: chr17-43093041-C-CATGGATACTT. GRCh37 (hg19) VCF-style: chr17-41245058-C-CATGGATACTT.
Other names: c.2276_2277insAAGTATCCAT, p.Tyr760fs (NM_001407571.1, NM_001407853.1, NM_001407894.1 and 9 more transcripts); c.2489_2490insAAGTATCCAT, p.Tyr831fs (NM_001407581.1, NM_001407582.1, NM_001407583.1 and 30 more transcripts); c.2486_2487insAAGTATCCAT, p.Tyr830fs (NM_001407587.1, NM_001407590.1, NM_001407591.1 and 22 more transcripts); c.2480_2481insAAGTATCCAT, p.Tyr828fs (NM_001407646.1, NM_001407647.1); c.2366_2367insAAGTATCCAT, p.Tyr790fs (NM_001407648.1, NM_001407664.1, NM_001407665.1 and 19 more transcripts); c.2363_2364insAAGTATCCAT, p.Tyr789fs (NM_001407649.1, NM_001407670.1, NM_001407671.1 and 11 more transcripts); c.2411_2412insAAGTATCCAT, p.Tyr805fs (NM_001407653.1, NM_001407654.1, NM_001407655.1 and 4 more transcripts); c.2408_2409insAAGTATCCAT, p.Tyr804fs (NM_001407659.1, NM_001407660.1, NM_001407661.1 and 1 more transcripts); and 41 more; short protein forms Y831fs, Y784fs, Y719fs, Y703fs, Y704fs, Y720fs, Y783fs, Y790fs.
Identifiers: ClinVar variation 548298 (VCV000548298.2), dbSNP rs1555589559, ClinGen allele CA658824006.